The following is an entry in ClinVar:

ClinVar aggregate classification (germline): Likely benign. Review status: criteria provided, single submitter (1 of 4 stars). 2 submissions from 2 submitters: Likely benign (1). 1 of the submissions does not count toward it. Last evaluated 2024-11-10.

Conditions:
SLC25A4-related disorder. Also called: SLC25A4-related condition.

Allele frequency attached by ClinVar (database versions not stated): gnomAD exomes below 0.00001.
gnomAD v4.1: 2 of 1,613,784 alleles (0.00012%); highest among the groups gnomAD compares: Admixed American, 0.0033%; no homozygotes.

Submissions (2):

Labcorp Genetics (formerly Invitae), Labcorp
Classification: Likely benign. Last evaluated: 2024-11-10. Review status: criteria provided, single submitter. Criteria: Invitae Variant Classification Sherloc (09022015). Collection method: clinical testing. Allele origin: germline.

PreventionGenetics, part of Exact Sciences
Classification: Likely benign for SLC25A4-related condition. Last evaluated: 2021-08-17. Review status: no assertion criteria provided. Collection method: clinical testing. Allele origin: germline. Not counted in ClinVar's aggregate classification.
Comment: This variant is classified as likely benign based on ACMG/AMP sequence variant interpretation guidelines (Richards et al. 2015 PMID: 25741868, with internal and published modifications).

NM_001151.4(SLC25A4):c.598+9G>C

Gene: SLC25A4 (solute carrier family 25 member 4; plus strand). Cytogenetic location: 4q35.1.
Variant type: single nucleotide variant.
Coding change: c.598+9G>C on transcript NM_001151.4 (MANE Select); 9 bases into the intron after coding-DNA position 598, G replaced by C.
Molecular consequence: intron variant.
Genome position (GRCh38, 1-based): chr4:185,145,259, G>C. VCF-style: chr4-185145259-G-C. GRCh37 (hg19) VCF-style: chr4-186066413-G-C.
Other names: c.598+9G>C (NM_001151.3).
Identifiers: ClinVar variation 1985072 (VCV001985072.6), dbSNP rs753651262, ClinGen allele CA557394797.